The following is an entry in ClinVar:

NM_003482.4(KMT2D):c.12006A>G (p.Pro4002=)

Gene: KMT2D (lysine methyltransferase 2D; minus strand). Cytogenetic location: 12q13.12.
Variant type: single nucleotide variant.
Coding change: c.12006A>G on transcript NM_003482.4 (MANE Select); coding-DNA position 12006, A replaced by G.
Protein change: p.Pro4002=; no amino-acid change (proline 4002 retained).
Molecular consequence: synonymous variant.
Genome position (GRCh38, 1-based): chr12:49,032,699, T>C on the plus strand (A>G on the coding strand, the complement: KMT2D is on the minus strand). VCF-style: chr12-49032699-T-C. GRCh37 (hg19) VCF-style: chr12-49426482-T-C.
Identifiers: ClinVar variation 703316 (VCV000703316.40), dbSNP rs375116340, ClinGen allele CA6546266.

ClinVar aggregate classification (germline): Likely benign. Review status: criteria provided, multiple submitters, no conflicts (2 of 4 stars). 4 submissions from 4 submitters: Likely benign (4). Last evaluated 2026-01-27.

Conditions:
Kabuki syndrome. Also called: Kabuki make-up syndrome; NIIKAWA-KUROKI SYNDROME. Identifiers: Orphanet 2322, MedGen C0796004, MONDO:0016512.

Allele frequency attached by ClinVar (database versions not stated): gnomAD 0.00019 and 0.00021; ESP Exome Variant Server 0.00023; gnomAD exomes 0.00007 and 0.00016; ExAC 0.00013; TOPMed 0.00013.
gnomAD v4.1: 270 of 1,612,624 alleles (0.017%); highest among the groups gnomAD compares: Non-Finnish European, 0.021%; 1 homozygote.

Submissions (4):

Labcorp Genetics (formerly Invitae), Labcorp
Classification: Likely benign for Kabuki syndrome. Last evaluated: 2026-01-27. Review status: criteria provided, single submitter. Criteria: Invitae Variant Classification Sherloc (09022015). Collection method: clinical testing. Allele origin: germline.

Blueprint Genetics
Classification: Likely benign. Last evaluated: 2024-11-07. Review status: criteria provided, single submitter. Criteria: ACMG Guidelines, 2015. Collection method: clinical testing. Allele origin: germline.

CeGaT Center for Human Genetics Tuebingen
Classification: Likely benign. Last evaluated: 2024-11-01. Review status: criteria provided, single submitter. Criteria: CeGaT Center For Human Genetics Tuebingen Variant Classification Criteria Version 2. Collection method: clinical testing. Allele origin: germline. Affected: yes. Observed: 3 variant alleles.
Comment: KMT2D: BP4, BP7

GeneDx
Classification: Likely benign. Last evaluated: 2021-01-05. Review status: criteria provided, single submitter. Criteria: GeneDx Variant Classification Process June 2021. Collection method: clinical testing. Allele origin: germline. Affected: yes.